The following is an entry in ClinVar:

ClinVar aggregate classification (germline): Pathogenic (1 of 4 stars; one submission).

Allele frequency attached by ClinVar (database versions not stated): gnomAD 0.00001; TOPMed 0.00004.

Submission:

Labcorp Genetics (formerly Invitae), Labcorp
Classification: Pathogenic. Last evaluated: 2023-07-24. Review status: criteria provided, single submitter. Criteria: Invitae Variant Classification Sherloc (09022015). Collection method: clinical testing. Allele origin: germline.
Comment: For these reasons, this variant has been classified as Pathogenic. This variant disrupts a region of the TMPRSS3 protein in which other variant(s) (p.Arg106Cys) have been determined to be pathogenic (PMID: 23967202, 28246597). This suggests that this is a clinically significant region of the protein, and that variants that disrupt it are likely to be disease-causing. This variant has not been reported in the literature in individuals affected with TMPRSS3-related conditions. This variant is present in population databases (no rsID available, gnomAD 0.007%). This sequence change affects the initiator methionine of the TMPRSS3 mRNA. The next in-frame methionine is located at codon 128.

Literature cited by the submitters: PubMed 23967202; PubMed 28246597.

NM_001256317.3(TMPRSS3):c.3G>A (p.Met1Ile)

Gene: TMPRSS3 (transmembrane serine protease 3; minus strand). Cytogenetic location: 21q22.3.
Variant type: single nucleotide variant.
Coding change: c.3G>A on transcript NM_001256317.3 (MANE Select); coding-DNA position 3, G replaced by A.
Protein change: p.Met1Ile; changes the start codon (methionine 1).
Molecular consequence: missense variant, initiator codon variant.
Genome position (GRCh38, 1-based): chr21:42,395,415, C>T on the plus strand (G>A on the coding strand, the complement: TMPRSS3 is on the minus strand). VCF-style: chr21-42395415-C-T. GRCh37 (hg19) VCF-style: chr21-43815524-C-T.
Other names: c.3G>A, p.Met1Ile (NM_024022.4, NM_032405.2); short protein forms M1I.
Identifiers: ClinVar variation 2986577 (VCV002986577.3), dbSNP rs746461825, ClinGen allele CA321556664.